The following is an entry in ClinVar:

ClinVar aggregate classification (germline): Uncertain significance. Review status: criteria provided, multiple submitters, no conflicts (2 of 4 stars). 2 submissions from 2 submitters: Uncertain significance (2). Last evaluated 2025-03-04.

Conditions:
Hereditary cancer-predisposing syndrome. Also called: Tumor predisposition; Hereditary Cancer Syndrome; Hereditary neoplastic syndrome; Neoplastic Syndromes, Hereditary. Identifiers: Orphanet 140162, MedGen C0027672, MeSH D009386, MONDO:0015356.

Submissions (2):

Center for Genomic Medicine, Rigshospitalet, Copenhagen University Hospital
Classification: Uncertain significance. Last evaluated: 2025-03-04. Review status: criteria provided, single submitter. Criteria: ACMG Guidelines, 2015. Collection method: clinical testing. Allele origin: germline.

Ambry Genetics
Classification: Uncertain significance for Hereditary cancer-predisposing syndrome. Last evaluated: 2024-06-10. Review status: criteria provided, single submitter. Criteria: Ambry Variant Classification Scheme 2023. Collection method: clinical testing. Allele origin: germline.
Comment: The p.T216S variant (also known as c.647C>G), located in coding exon 4 of the MSH3 gene, results from a C to G substitution at nucleotide position 647. The threonine at codon 216 is replaced by serine, an amino acid with similar properties. This amino acid position is conserved. In addition, this alteration is predicted to be tolerated by in silico analysis. Based on the available evidence, the clinical significance of this variant remains unclear.

NM_002439.5(MSH3):c.647C>G (p.Thr216Ser)

Gene: MSH3 (mutS homolog 3; plus strand). Cytogenetic location: 5q14.1.
Variant type: single nucleotide variant.
Coding change: c.647C>G on transcript NM_002439.5 (MANE Select); coding-DNA position 647, C replaced by G.
Protein change: p.Thr216Ser; replaces threonine 216 with serine.
Molecular consequence: missense variant.
Genome position (GRCh38, 1-based): chr5:80,670,164, C>G. VCF-style: chr5-80670164-C-G. GRCh37 (hg19) VCF-style: chr5-79965983-C-G.
Other names: short protein forms T216S.
Identifiers: ClinVar variation 3296309 (VCV003296309.2).